The following is an entry in ClinVar:

NM_004415.4(DSP):c.6569G>T (p.Cys2190Phe)

Gene: DSP (desmoplakin; plus strand). Cytogenetic location: 6p24.3.
Variant type: single nucleotide variant.
Coding change: c.6569G>T on transcript NM_004415.4 (MANE Select); coding-DNA position 6569, G replaced by T.
Protein change: p.Cys2190Phe; replaces cysteine 2190 with phenylalanine.
Molecular consequence: missense variant.
Genome position (GRCh38, 1-based): chr6:7,583,831, G>T. VCF-style: chr6-7583831-G-T. GRCh37 (hg19) VCF-style: chr6-7584064-G-T.
Other names: c.4772G>T, p.Cys1591Phe (NM_001008844.3); c.5240G>T, p.Cys1747Phe (NM_001319034.2); short protein forms C1591F, C1747F, C2190F.
Identifiers: ClinVar variation 1013928 (VCV001013928.9), dbSNP rs1276738564, ClinGen allele CA362691077.
Genomic context (GRCh38, chr6:7,583,831, plus strand): 5'-AAAACTTTGTGGATCCAGTCACCAAAAAGAAGGTCAGTTACGTGCAGCTGAAGGAACGGT[G>T]CAGAATCGAACCACATACTGGTCTGCTCTTGCTTTCAGTACAGAAGAGAAGCATGTCCTT-3'
Protein context (NP_004406.2, residues 2180-2200): KVSYVQLKER[Cys2190Phe]RIEPHTGLLL

ClinVar aggregate classification (germline): Uncertain significance (1 of 4 stars; one submission).

Conditions:
Arrhythmogenic cardiomyopathy with wooly hair and keratoderma. Also called: Carvajal syndrome; Arrhythmogenic cardiomyopathy with woolly hair and keratoderma; Dilated cardiomyopathy with woolly hair and keratoderma; PALMOPLANTAR KERATODERMA WITH LEFT VENTRICULAR CARDIOMYOPATHY AND WOOLLY HAIR. Identifiers: Orphanet 65282, MedGen C1854063, MONDO:0011581, OMIM 605676.
Arrhythmogenic right ventricular dysplasia 8 (ARVD8). Also called: ARRHYTHMOGENIC RIGHT VENTRICULAR DYSPLASIA, FAMILIAL, 8; ARRHYTHMOGENIC RIGHT VENTRICULAR CARDIOMYOPATHY 8; Arrhythmogenic Right Ventricular Dysplasia/Cardiomyopathy 8. Identifiers: MedGen C1843896, MONDO:0011831, OMIM 607450.

Submission:

Labcorp Genetics (formerly Invitae), Labcorp
Classification: Uncertain significance for Arrhythmogenic cardiomyopathy with wooly hair and keratoderma; Arrhythmogenic right ventricular dysplasia 8. Last evaluated: 2021-08-03. Review status: criteria provided, single submitter. Criteria: Invitae Variant Classification Sherloc (09022015). Collection method: clinical testing. Allele origin: germline.
Comment: In summary, the available evidence is currently insufficient to determine the role of this variant in disease. Therefore, it has been classified as a Variant of Uncertain Significance. Algorithms developed to predict the effect of missense changes on protein structure and function (SIFT, PolyPhen-2, Align-GVGD) all suggest that this variant is likely to be disruptive, but these predictions have not been confirmed by published functional studies and their clinical significance is uncertain. This variant has not been reported in the literature in individuals with DSP-related conditions. This variant is not present in population databases (ExAC no frequency). This sequence change replaces cysteine with phenylalanine at codon 2190 of the DSP protein (p.Cys2190Phe). The cysteine residue is highly conserved and there is a large physicochemical difference between cysteine and phenylalanine.